The following is an entry in ClinVar:

NM_182961.4(SYNE1):c.12795-12A>G

Gene: SYNE1 (spectrin repeat containing nuclear envelope protein 1; minus strand). Cytogenetic location: 6q25.2.
Variant type: single nucleotide variant.
Coding change: c.12795-12A>G on transcript NM_182961.4 (MANE Select); 12 bases into the intron before coding-DNA position 12795, A replaced by G.
Molecular consequence: intron variant.
Genome position (GRCh38, 1-based): chr6:152,331,902, T>C on the plus strand (A>G on the coding strand, the complement: SYNE1 is on the minus strand). VCF-style: chr6-152331902-T-C. GRCh37 (hg19) VCF-style: chr6-152653037-T-C.
Other names: c.12582-12A>G (NM_033071.5).
Identifiers: ClinVar variation 262160 (VCV000262160.22), dbSNP rs9478314, ClinGen allele CA4056306.

ClinVar aggregate classification (germline): Benign. Review status: criteria provided, multiple submitters, no conflicts (2 of 4 stars). 12 submissions from 9 submitters: Benign (9). 3 of the submissions do not count toward it. Last evaluated 2026-02-03.

Conditions:
Arthrogryposis multiplex congenita 3, myogenic type. Also called: ARTHROGRYPOSIS MULTIPLEX CONGENITA, MYOGENIC TYPE. Identifiers: MedGen C5193121, MONDO:0032778, OMIM 618484.
Autosomal recessive ataxia, Beauce type. Also called: Spinocerebellar ataxia, autosomal recessive 8; ATAXIA, RECESSIVE, OF BEAUCE; SYNE1-Related Autosomal Recessive Cerebellar Ataxia; SYNE1 Deficiency. Identifiers: Orphanet 88644, MedGen C1853116, MONDO:0012549, OMIM 610743.
Emery-Dreifuss muscular dystrophy 4, autosomal dominant (EDMD4). Also called: EMERY-DREIFUSS MUSCULAR DYSTROPHY 4 WITH VARIABLE FEATURES. Identifiers: Orphanet 261, MedGen C2751807, MONDO:0013071, OMIM 612998.

Allele frequency attached by ClinVar (database versions not stated): 1000 Genomes Project 0.41314; 1000 Genomes Project 30x 0.42723; gnomAD exomes 0.45543 and 0.46790; ExAC 0.46079; gnomAD 0.48170 and 0.48867; ESP Exome Variant Server 0.48630; TOPMed 0.49329.
gnomAD v4.1: 735,724 of 1,608,436 alleles (46%); highest among the groups gnomAD compares: Admixed American, 64%; 172,398 homozygotes.

Submissions (12):

Labcorp Genetics (formerly Invitae), Labcorp
Classification: Benign for Emery-Dreifuss muscular dystrophy 4, autosomal dominant; Autosomal recessive ataxia, Beauce type. Last evaluated: 2026-02-03. Review status: criteria provided, single submitter. Criteria: Invitae Variant Classification Sherloc (09022015). Collection method: clinical testing. Allele origin: germline.

Blueprint Genetics
Classification: Benign. Last evaluated: 2024-11-27. Review status: criteria provided, single submitter. Criteria: ACMG Guidelines, 2015. Collection method: clinical testing. Allele origin: germline.

Genome-Nilou Lab
Classification: Benign for Arthrogryposis multiplex congenita 3, myogenic type. Last evaluated: 2021-07-15. Review status: criteria provided, single submitter. Criteria: ACMG Guidelines, 2015. Collection method: clinical testing. Allele origin: germline. Affected: no.

Genome-Nilou Lab
Classification: Benign for Emery-Dreifuss muscular dystrophy 4, autosomal dominant. Last evaluated: 2021-07-15. Review status: criteria provided, single submitter. Criteria: ACMG Guidelines, 2015. Collection method: clinical testing. Allele origin: germline. Affected: no.

Genome-Nilou Lab
Classification: Benign for Autosomal recessive ataxia, Beauce type. Last evaluated: 2021-07-15. Review status: criteria provided, single submitter. Criteria: ACMG Guidelines, 2015. Collection method: clinical testing. Allele origin: germline. Affected: no.

Illumina Laboratory Services, Illumina
Classification: Benign for Autosomal recessive ataxia, Beauce type. Last evaluated: 2018-01-12. Review status: criteria provided, single submitter. Criteria: ICSL Variant Classification Criteria 13 December 2019. Collection method: clinical testing. Allele origin: germline.
Comment: This variant was observed in the ICSL laboratory as part of a predisposition screen in an ostensibly healthy population. It had not been previously curated by ICSL or reported in the Human Gene Mutation Database (HGMD: prior to June 1st, 2018), and was therefore a candidate for classification through an automated scoring system. Utilizing variant allele frequency, disease prevalence and penetrance estimates, and inheritance mode, an automated score was calculated to assess if this variant is too frequent to cause the disease. Based on the score and internal cut-off values, a variant classified as benign is not then subjected to further curation. The score for this variant resulted in a classification of benign for this disease.

Illumina Laboratory Services, Illumina
Classification: Benign for Emery-Dreifuss muscular dystrophy 4, autosomal dominant. Last evaluated: 2018-01-12. Review status: criteria provided, single submitter. Criteria: ICSL Variant Classification Criteria 13 December 2019. Collection method: clinical testing. Allele origin: germline.
Comment: the same text as in the submission from Illumina Laboratory Services, Illumina above.

GeneDx
Classification: Benign. Last evaluated: 2016-01-05. Review status: criteria provided, single submitter. Criteria: GeneDx Variant Classification (06012015). Collection method: clinical testing. Allele origin: germline. Affected: yes.
Comment: This variant is considered likely benign or benign based on one or more of the following criteria: it is a conservative change, it occurs at a poorly conserved position in the protein, it is predicted to be benign by multiple in silico algorithms, and/or has population frequency not consistent with disease.

PreventionGenetics, part of Exact Sciences
Classification: Benign. Review status: criteria provided, single submitter. Criteria: ACMG Guidelines, 2015. Collection method: clinical testing. Allele origin: germline.

Clinical Genetics DNA and cytogenetics Diagnostics Lab, Erasmus MC, Erasmus Medical Center
Classification: Benign. Review status: no assertion criteria provided. Collection method: clinical testing. Allele origin: germline. Affected: yes. Study: VKGL Data-share Consensus. Not counted in ClinVar's aggregate classification.

Clinical Genetics, Academic Medical Center
Classification: Benign. Review status: no assertion criteria provided. Collection method: clinical testing. Allele origin: germline. Affected: yes. Study: VKGL Data-share Consensus. Not counted in ClinVar's aggregate classification.

Joint Genome Diagnostic Labs from Nijmegen and Maastricht, Radboudumc and MUMC+
Classification: Benign. Review status: no assertion criteria provided. Collection method: clinical testing. Allele origin: germline. Affected: yes. Study: VKGL Data-share Consensus. Not counted in ClinVar's aggregate classification.